The following is an entry in ClinVar:

NM_017534.6(MYH2):c.3332A>G (p.Gln1111Arg)

Genes: MYH2 (myosin heavy chain 2; minus strand), MYHAS (myosin heavy chain gene cluster antisense RNA; plus strand). Cytogenetic location: 17p13.1.
Variant type: single nucleotide variant.
Coding change: c.3332A>G on transcript NM_017534.6 (MANE Select); coding-DNA position 3332, A replaced by G.
Protein change: p.Gln1111Arg; replaces glutamine 1111 with arginine.
Molecular consequence: missense variant.
Genome position (GRCh38, 1-based): chr17:10,529,184, T>C on the plus strand (A>G on the coding strand, the complement: MYH2 is on the minus strand). VCF-style: chr17-10529184-T-C. GRCh37 (hg19) VCF-style: chr17-10432501-T-C.
Other names: c.3332A>G, p.Gln1111Arg (NM_001100112.2); short protein forms Q1111R.
Identifiers: ClinVar variation 5040473 (VCV005040473.1).

ClinVar aggregate classification (germline): Uncertain significance (1 of 4 stars; one submission).

gnomAD v4.1: 2 of 1,614,238 alleles (0.00012%); highest among the groups gnomAD compares: Middle Eastern, 0.016%; no homozygotes.

Submission:

CeGaT Center for Human Genetics Tuebingen
Classification: Uncertain significance. Last evaluated: 2026-08-01. Review status: criteria provided, single submitter. Criteria: CeGaT Center For Human Genetics Tuebingen Variant Classification Criteria Version 2. Collection method: clinical testing. Allele origin: germline. Affected: yes. Observed: 1 variant allele.
Comment: MYH2: PM2, PP3